The following is an entry in ClinVar:

ClinVar aggregate classification (germline): Benign (1 of 4 stars; one submission).

Conditions:
Hereditary diffuse gastric adenocarcinoma (HDGC). Also called: DIFFUSE GASTRIC AND LOBULAR BREAST CANCER SYNDROME. Identifiers: Orphanet 26106, MedGen C1708349, MONDO:0007648, OMIM 137215.

gnomAD v4.1: 2 of 1,614,124 alleles (0.00012%); highest among the groups gnomAD compares: Non-Finnish European, 0.00017%; no homozygotes.

Submission:

Myriad Genetics, Inc.
Classification: Benign for Hereditary diffuse gastric adenocarcinoma. Last evaluated: 2024-09-17. Review status: criteria provided, single submitter. Criteria: Myriad Autosomal Dominant, Autosomal Recessive and X-Linked Classification Criteria (2023). Collection method: clinical testing. Allele origin: unknown.
Comment: This variant is considered benign. This variant is a silent/synonymous amino acid change and it is not expected to impact splicing.

NM_004360.5(CDH1):c.1068C>T (p.Ser356=)

Gene: CDH1 (cadherin 1; plus strand). Cytogenetic location: 16q22.1.
Variant type: single nucleotide variant.
Coding change: c.1068C>T on transcript NM_004360.5 (MANE Select); coding-DNA position 1068, C replaced by T.
Protein change: p.Ser356=; no amino-acid change (serine 356 retained).
Molecular consequence: synonymous variant. On other transcripts: 5 prime UTR variant (2).
Genome position (GRCh38, 1-based): chr16:68,812,194, C>T. VCF-style: chr16-68812194-C-T. GRCh37 (hg19) VCF-style: chr16-68846097-C-T.
Other names: c.1068C>T, p.Ser356= (NM_001317184.2); c.-548C>T (NM_001317185.2); c.-752C>T (NM_001317186.2).
Identifiers: ClinVar variation 3379064 (VCV003379064.1).